The following is an entry in ClinVar:

ClinVar aggregate classification (germline): Conflicting classifications of pathogenicity. Review status: criteria provided, conflicting classifications (1 of 4 stars). 3 submissions from 3 submitters: Uncertain significance (2); Likely benign (1). Last evaluated 2025-08-01.

Conditions:
Inborn genetic diseases. Identifiers: MedGen C0950123, MeSH D030342.

Allele frequency attached by ClinVar (database versions not stated): TOPMed 0.00006; ESP Exome Variant Server 0.00008; gnomAD exomes 0.00010; ExAC 0.00014; 1000 Genomes Project 30x 0.00016; 1000 Genomes Project 0.00020.
gnomAD v4.1: 154 of 1,608,786 alleles (0.0096%); highest among the groups gnomAD compares: South Asian, 0.075%; 1 homozygote.

Submissions (3):

Ambry Genetics
Classification: Uncertain significance for Inborn genetic diseases. Last evaluated: 2025-08-01. Review status: criteria provided, single submitter. Criteria: Ambry Variant Classification Scheme 2023. Collection method: clinical testing. Allele origin: germline.

CeGaT Center for Human Genetics Tuebingen
Classification: Likely benign. Last evaluated: 2025-07-01. Review status: criteria provided, single submitter. Criteria: CeGaT Center For Human Genetics Tuebingen Variant Classification Criteria Version 2. Collection method: clinical testing. Allele origin: germline. Affected: yes. Observed: 1 variant allele.
Comment: KREMEN1: BS2

Breakthrough Genomics
Classification: Uncertain significance. Review status: criteria provided, single submitter. Criteria: ACMG Guidelines, 2015. Collection method: not provided. Allele origin: germline. Inheritance: Autosomal dominant inheritance. Affected: yes.

NM_001039570.3(KREMEN1):c.923A>T (p.Asp308Val)

Gene: KREMEN1 (kringle containing transmembrane protein 1; plus strand). Cytogenetic location: 22q12.1.
Variant type: single nucleotide variant.
Coding change: c.923A>T on transcript NM_001039570.3 (MANE Select); coding-DNA position 923, A replaced by T.
Protein change: p.Asp308Val; replaces aspartic acid 308 with valine.
Molecular consequence: missense variant.
Genome position (GRCh38, 1-based): chr22:29,137,633, A>T. VCF-style: chr22-29137633-A-T. GRCh37 (hg19) VCF-style: chr22-29533621-A-T.
Other names: c.923A>T, p.Asp308Val (NM_001039571.1, NM_032045.5); short protein forms D308V.
Identifiers: ClinVar variation 2394803 (VCV002394803.12), dbSNP rs376600397, ClinGen allele CA10170118.
Genomic context (GRCh38, chr22:29,137,633, plus strand): 5'-GCCGCCCACCTCTGTCCTTCAACGTCTCTCTGGACTTCGTCATCTTGTATTTCTTCTCTG[A>T]TCGCATCAATCAGGCCCAGGGATTTGCTGTTTTATACCAAGGTAAGACATCTTTGCCTCC-3'
Protein context (NP_001034659.2, residues 298-318): LDFVILYFFS[Asp308Val]RINQAQGFAV